The following is an entry in ClinVar:

ClinVar aggregate classification (germline): Benign/Likely benign. Review status: criteria provided, multiple submitters, no conflicts (2 of 4 stars). 2 submissions from 2 submitters: Benign (1); Likely benign (1). Last evaluated 2025-12-23.

Conditions:
Oculofaciocardiodental syndrome (MCOPS2). Identifiers: Orphanet 2712, MedGen C1846265, MONDO:0010261, OMIM 300166.

Allele frequency attached by ClinVar (database versions not stated): ESP Exome Variant Server 0.00009; gnomAD 0.00009 and 0.00010; TOPMed 0.00012.
gnomAD v4.1: 72 of 1,210,815 alleles (0.0059%); highest among the groups gnomAD compares: Non-Finnish European, 0.0078%; no homozygotes.

Submissions (2):

Labcorp Genetics (formerly Invitae), Labcorp
Classification: Benign for Oculofaciocardiodental syndrome. Last evaluated: 2025-12-23. Review status: criteria provided, single submitter. Criteria: Invitae Variant Classification Sherloc (09022015). Collection method: clinical testing. Allele origin: germline.

CeGaT Center for Human Genetics Tuebingen
Classification: Likely benign. Last evaluated: 2025-01-01. Review status: criteria provided, single submitter. Criteria: CeGaT Center For Human Genetics Tuebingen Variant Classification Criteria Version 2. Collection method: clinical testing. Allele origin: germline. Affected: yes. Observed: 1 variant allele.
Comment: BCOR: BP4, BP7, BS2

NM_001123385.2(BCOR):c.759C>T (p.Val253=)

Genes: BCOR (BCL6 corepressor; minus strand), LOC126863239 (MED14-independent group 3 enhancer GRCh37_chrX:39932994-39934193; plus strand). Cytogenetic location: Xp11.4.
Variant type: single nucleotide variant.
Coding change: c.759C>T on transcript NM_001123385.2 (MANE Select); coding-DNA position 759, C replaced by T.
Protein change: p.Val253=; no amino-acid change (valine 253 retained).
Molecular consequence: synonymous variant.
Genome position (GRCh38, 1-based): chrX:40,074,587, G>A on the plus strand (C>T on the coding strand, the complement: BCOR is on the minus strand). VCF-style: chrX-40074587-G-A. GRCh37 (hg19) VCF-style: chrX-39933840-G-A.
Other names: c.759C>T, p.Val253= (NM_001123383.2, NM_001123384.2, NM_017745.6).
Identifiers: ClinVar variation 699424 (VCV000699424.21), dbSNP rs373674220, ClinGen allele CA10387014.